The following is an entry in ClinVar:

ClinVar aggregate classification (germline): Uncertain significance. Review status: criteria provided, multiple submitters, no conflicts (2 of 4 stars). 2 submissions from 2 submitters: Uncertain significance (2). Last evaluated 2026-02-17.

Conditions:
Inborn genetic diseases. Identifiers: MedGen C0950123, MeSH D030342.
RYR1-related disorder. Also called: RYR1-related disorders; RYR1-related condition. Identifiers: MedGen CN239331.

Submissions (2):

Ambry Genetics
Classification: Uncertain significance for Inborn genetic diseases. Last evaluated: 2026-02-17. Review status: criteria provided, single submitter. Criteria: Ambry Variant Classification Scheme 2023. Collection method: clinical testing. Allele origin: germline.

Labcorp Genetics (formerly Invitae), Labcorp
Classification: Uncertain significance for RYR1-related disorder. Last evaluated: 2025-02-17. Review status: criteria provided, single submitter. Criteria: Invitae Variant Classification Sherloc (09022015). Collection method: clinical testing. Allele origin: germline.
Comment: This sequence change replaces arginine, which is basic and polar, with glycine, which is neutral and non-polar, at codon 4296 of the RYR1 protein (p.Arg4296Gly). The frequency data for this variant in the population databases is considered unreliable, as metrics indicate insufficient coverage at this position in the gnomAD database. This variant has not been reported in the literature in individuals affected with RYR1-related conditions. Invitae Evidence Modeling of protein sequence and biophysical properties (such as structural, functional, and spatial information, amino acid conservation, physicochemical variation, residue mobility, and thermodynamic stability) indicates that this missense variant is not expected to disrupt RYR1 protein function with a negative predictive value of 80%. In summary, the available evidence is currently insufficient to determine the role of this variant in disease. Therefore, it has been classified as a Variant of Uncertain Significance.

NM_000540.3(RYR1):c.12886C>G (p.Arg4296Gly)

Gene: RYR1 (ryanodine receptor 1; plus strand). Cytogenetic location: 19q13.2.
Variant type: single nucleotide variant.
Coding change: c.12886C>G on transcript NM_000540.3 (MANE Select); coding-DNA position 12886, C replaced by G.
Protein change: p.Arg4296Gly; replaces arginine 4296 with glycine.
Molecular consequence: missense variant.
Genome position (GRCh38, 1-based): chr19:38,565,220, C>G. VCF-style: chr19-38565220-C-G. GRCh37 (hg19) VCF-style: chr19-39055860-C-G.
Other names: c.12871C>G, p.Arg4291Gly (NM_001042723.2); short protein forms R4291G, R4296G.
Identifiers: ClinVar variation 3632596 (VCV003632596.3).